The following is an entry in ClinVar:

NM_001034853.2(RPGR):c.3211G>T (p.Glu1071Ter)

Gene: RPGR (retinitis pigmentosa GTPase regulator; minus strand). Cytogenetic location: Xp11.4.
Variant type: single nucleotide variant.
Coding change: c.3211G>T on transcript NM_001034853.2 (MANE Select); coding-DNA position 3211, G replaced by T.
Protein change: p.Glu1071Ter; replaces glutamic acid 1071 with a stop codon.
Molecular consequence: nonsense. On other transcripts: intron variant (8).
Genome position (GRCh38, 1-based): chrX:38,285,788, C>A on the plus strand (G>T on the coding strand, the complement: RPGR is on the minus strand). VCF-style: chrX-38285788-C-A. GRCh37 (hg19) VCF-style: chrX-38145041-C-A.
Other names: c.1569+5171G>T (NM_001367249.1, NM_001367250.1); c.1902+1306G>T (NM_001367245.1); c.1386+5171G>T (NM_001367251.1); c.1719+1306G>T (NM_001367246.1); c.1572+5171G>T (NM_001367247.1); c.1905+1306G>T (NM_000328.3); c.1602+5171G>T (NM_001367248.1); short protein forms E1071*.
Identifiers: ClinVar variation 4882801 (VCV004882801.2).

ClinVar aggregate classification (germline): Likely pathogenic (1 of 4 stars; one submission).

Submission:

Dasa
Classification: Likely pathogenic. Last evaluated: 2026-01-05. Review status: criteria provided, single submitter. Criteria: DASA Assertion Criteria. Collection method: clinical testing. Allele origin: germline.
Comment: NM_001034853.2(RPGR):c.3211G>T (p.Glu1071*) is a nonsense variant in RPGR predicted to introduce a premature termination codon and is predicted to result in an absent or altered protein product. Loss of function is an established disease mechanism for RPGR-associated disorders. Published studies describe this variant in association with RPGR-related disorders (PMID: 36445968; PMID: 28294154; PMID: 19815619). Also, this variant is absent from population databases. Based on the currently available evidence, this variant is classified as likely pathogenic.

Literature cited by the submitters: PubMed 36445968; PubMed 28294154; PubMed 19815619.